The following is an entry in ClinVar:

NM_030973.4(MED25):c.459G>T (p.Leu153Phe)

Gene: MED25 (mediator complex subunit 25; plus strand). Cytogenetic location: 19q13.33.
Variant type: single nucleotide variant.
Coding change: c.459G>T on transcript NM_030973.4 (MANE Select); coding-DNA position 459, G replaced by T.
Protein change: p.Leu153Phe; replaces leucine 153 with phenylalanine.
Molecular consequence: missense variant.
Genome position (GRCh38, 1-based): chr19:49,829,024, G>T. VCF-style: chr19-49829024-G-T. GRCh37 (hg19) VCF-style: chr19-50332281-G-T.
Other names: c.459G>T, p.Leu153Phe (NM_001378355.1); short protein forms L153F.
Identifiers: ClinVar variation 935166 (VCV000935166.9), dbSNP rs1461710400, ClinGen allele CA406912256.

ClinVar aggregate classification (germline): Uncertain significance (1 of 4 stars; one submission).

Conditions:
Charcot-Marie-Tooth disease type 2. Also called: Charcot-Marie-Tooth type 2. Identifiers: Orphanet 64746, MedGen C0270914, MONDO:0018993.

Allele frequency attached by ClinVar (database versions not stated): gnomAD exomes below 0.00001.
gnomAD v4.1: 1 of 1,614,110 alleles (0.000062%); highest among the groups gnomAD compares: Non-Finnish European, 0.000085%; no homozygotes.

Submission:

Labcorp Genetics (formerly Invitae), Labcorp
Classification: Uncertain significance for Charcot-Marie-Tooth disease type 2. Last evaluated: 2019-07-24. Review status: criteria provided, single submitter. Criteria: Invitae Variant Classification Sherloc (09022015). Collection method: clinical testing. Allele origin: germline.
Comment: This variant is not present in population databases (ExAC no frequency). In summary, the available evidence is currently insufficient to determine the role of this variant in disease. Therefore, it has been classified as a Variant of Uncertain Significance. Algorithms developed to predict the effect of missense changes on protein structure and function are either unavailable or do not agree on the potential impact of this missense change (SIFT: "Deleterious"; PolyPhen-2: "Probably Damaging"; Align-GVGD: "Class C0"). This variant has not been reported in the literature in individuals with MED25-related conditions. This sequence change replaces leucine with phenylalanine at codon 153 of the MED25 protein (p.Leu153Phe). The leucine residue is highly conserved and there is a small physicochemical difference between leucine and phenylalanine.